The following is an entry in ClinVar:

NM_020810.3(TRMT5):c.1241C>A (p.Pro414His)

Gene: TRMT5 (tRNA methyltransferase 5; minus strand). Cytogenetic location: 14q23.1.
Variant type: single nucleotide variant.
Coding change: c.1241C>A on transcript NM_020810.3 (MANE Select); coding-DNA position 1241, C replaced by A.
Protein change: p.Pro414His; replaces proline 414 with histidine.
Molecular consequence: missense variant.
Genome position (GRCh38, 1-based): chr14:60,975,678, G>T on the plus strand (C>A on the coding strand, the complement: TRMT5 is on the minus strand). VCF-style: chr14-60975678-G-T. GRCh37 (hg19) VCF-style: chr14-61442396-G-T.
Other names: c.1325C>A, p.Pro442His (NM_001350253.1); c.1322C>A, p.Pro441His (NM_001350254.1); short protein forms P441H, P442H, P414H.
Identifiers: ClinVar variation 2109037 (VCV002109037.4), dbSNP rs767419957, ClinGen allele CA7213745.
Genomic context (GRCh38, chr14:60,975,678, plus strand): 5'-CTTTGCCGAACATCCTCAGCAGGGTTAGCATCTTTGGAAAAGCTATAACAATGCACTATG[G>T]GAAGGAACTCACTGCTGCATGGCTGCCCATCTAAAAGCCACTTGAAAGCACTAAGAAACT-3'
Protein context (NP_065861.3, residues 404-424): DGQPCSSEFL[Pro414His]IVHCYSFSKD

ClinVar aggregate classification (germline): Uncertain significance (1 of 4 stars; one submission).

Allele frequency attached by ClinVar (database versions not stated): ExAC 0.00001.

Submission:

Labcorp Genetics (formerly Invitae), Labcorp
Classification: Uncertain significance. Last evaluated: 2022-08-23. Review status: criteria provided, single submitter. Criteria: Invitae Variant Classification Sherloc (09022015). Collection method: clinical testing. Allele origin: germline.
Comment: This sequence change replaces proline, which is neutral and non-polar, with histidine, which is basic and polar, at codon 414 of the TRMT5 protein (p.Pro414His). This variant is present in population databases (rs767419957, gnomAD 0.003%). In summary, the available evidence is currently insufficient to determine the role of this variant in disease. Therefore, it has been classified as a Variant of Uncertain Significance. Algorithms developed to predict the effect of missense changes on protein structure and function are either unavailable or do not agree on the potential impact of this missense change (SIFT: "Deleterious"; PolyPhen-2: "Probably Damaging"; Align-GVGD: "Class C0"). This variant has not been reported in the literature in individuals affected with TRMT5-related conditions.